The following is an entry in ClinVar:

ClinVar aggregate classification (germline): Pathogenic/Likely pathogenic. Review status: criteria provided, multiple submitters, no conflicts (2 of 4 stars). 5 submissions from 5 submitters: Pathogenic (4); Likely pathogenic (1). Last evaluated 2026-07-01.

Conditions:
Glycogen storage disease, type II (IOPD). Also called: CARDIOMEGALIA GLYCOGENICA DIFFUSA; Glycogen storage disease type 2; Acid maltase deficiency disease; Aglucosidase alfa; Deficiency of alpha-glucosidase; Deficiency of lysosomal alpha-glucosidase. Identifiers: Orphanet 365, MedGen C0017921, MONDO:0009290, OMIM 232300.

Submissions (5):

Genomenon, Inc
Classification: Pathogenic for Glycogen storage disease, type II. Last evaluated: 2026-07-01. Review status: criteria provided, single submitter. Criteria: Genomenon Sequence Variant Interpretation Standards - Updated. Collection method: curation. Allele origin: germline. Affected: yes.
Comment: GAA p.Leu267SerfsTer46 (c.799_803delinsA) is a frameshift variant that is predicted to introduce a premature termination codon and result in a truncated or absent protein product. This variant has been observed in at least one proband with a GAA-related disorder (PMID:38524130). It is absent or not present at a significant frequency in gnomAD. In conclusion, we classify GAA p.Leu267SerfsTer46 (c.799_803delinsA) as a pathogenic variant.

Natera, Inc.
Classification: Pathogenic for Glycogen storage disease type II. Last evaluated: 2025-12-22. Review status: criteria provided, single submitter. Criteria: Natera Variant Classification Schema (03/2026). Collection method: clinical testing. Allele origin: germline.
Comment: The c.799_803delCTGATinsA variant in GAA is a frameshift variant predicted to shift the reading frame beginning at codon 267 and leads to a stop codon 46 codons downstream. This variant is expected to result in nonsense mediated decay, truncation, or a dysfunctional protein product. This variant is rare in the general population with a frequency below the threshold expected for the associated phenotype(s). This variant has been observed in one or more individuals affected with the associated recessive disease, as either homozygous or compound heterozygous with a second variant (PMID: 27812025). Given the available evidence, this variant is classified as Pathogenic.

Labcorp Genetics (formerly Invitae), Labcorp
Classification: Pathogenic for Glycogen storage disease, type II. Last evaluated: 2025-08-29. Review status: criteria provided, single submitter. Criteria: Invitae Variant Classification Sherloc (09022015). Collection method: clinical testing. Allele origin: germline.
Comment: This sequence change creates a premature translational stop signal (p.Leu267Serfs*46) in the GAA gene. It is expected to result in an absent or disrupted protein product. Loss-of-function variants in GAA are known to be pathogenic (PMID: 18425781, 22252923). Information on the frequency of this variant in the gnomAD database is not available, as this variant may be reported differently in the database. This premature translational stop signal has been observed in individual(s) with Pompe disease (PMID: 30155607). For these reasons, this variant has been classified as Pathogenic.

Fulgent Genetics
Classification: Likely pathogenic for Glycogen storage disease, type II. Last evaluated: 2024-02-14. Review status: criteria provided, single submitter. Criteria: ACMG Guidelines, 2015. Collection method: clinical testing. Allele origin: germline.

Revvity Omics, Revvity
Classification: Pathogenic. Last evaluated: 2019-07-25. Review status: criteria provided, single submitter. Criteria: ACMG Guidelines, 2015. Collection method: clinical testing. Allele origin: germline.

Literature cited by the submitters: PubMed 38524130 (cited by Genomenon, Inc); PubMed 27812025 (cited by Natera, Inc.); PubMed 18425781 (cited by Labcorp Genetics (formerly Invitae), Labcorp); PubMed 22252923 (cited by Labcorp Genetics (formerly Invitae), Labcorp); PubMed 30155607 (cited by Labcorp Genetics (formerly Invitae), Labcorp).

NM_000152.5(GAA):c.799_803delinsA (p.Leu267fs)

Gene: GAA (alpha glucosidase; plus strand). Cytogenetic location: 17q25.3.
Variant type: Indel.
Coding change: c.799_803delinsA on transcript NM_000152.5 (MANE Select); coding-DNA positions 799 to 803, CTGAT replaced by A.
Protein change: p.Leu267fs; shifts the reading frame from leucine 267.
Molecular consequence: frameshift variant.
Genome position (GRCh38, 1-based): chr17:80,107,663-80,107,667, CTGAT replaced by A. VCF-style: chr17-80107663-CTGAT-A. GRCh37 (hg19) VCF-style: chr17-78081462-CTGAT-A.
Other names: c.799_803delinsA, p.Leu267fs (NM_001079803.3, NM_001079804.3); c.799_803delCTGATinsA (NM_000152.4); short protein forms L267fs.
Identifiers: ClinVar variation 965021 (VCV000965021.12), dbSNP rs2039120342, ClinGen allele CA891862613.